The following is an entry in ClinVar:

NM_015311.3(OBSL1):c.1766G>A (p.Arg589His)

Gene: OBSL1 (obscurin like cytoskeletal adaptor 1; minus strand). Cytogenetic location: 2q35.
Variant type: single nucleotide variant.
Coding change: c.1766G>A on transcript NM_015311.3 (MANE Select); coding-DNA position 1766, G replaced by A.
Protein change: p.Arg589His; replaces arginine 589 with histidine.
Molecular consequence: missense variant.
Genome position (GRCh38, 1-based): chr2:219,567,344, C>T on the plus strand (G>A on the coding strand, the complement: OBSL1 is on the minus strand). VCF-style: chr2-219567344-C-T. GRCh37 (hg19) VCF-style: chr2-220432066-C-T.
Other names: c.1766G>A, p.Arg589His (NM_001173408.2, NM_001173431.2); short protein forms R589H.
Identifiers: ClinVar variation 1506980 (VCV001506980.4), dbSNP rs13414422, ClinGen allele CA2131434.

ClinVar aggregate classification (germline): Uncertain significance (1 of 4 stars; one submission).

Allele frequency attached by ClinVar (database versions not stated): TOPMed 0.00001; gnomAD exomes 0.00002; gnomAD 0.00001; ExAC 0.00001.

Submission:

Labcorp Genetics (formerly Invitae), Labcorp
Classification: Uncertain significance. Last evaluated: 2021-10-03. Review status: criteria provided, single submitter. Criteria: Invitae Variant Classification Sherloc (09022015). Collection method: clinical testing. Allele origin: germline.
Comment: In summary, the available evidence is currently insufficient to determine the role of this variant in disease. Therefore, it has been classified as a Variant of Uncertain Significance. Algorithms developed to predict the effect of missense changes on protein structure and function (SIFT, PolyPhen-2, Align-GVGD) all suggest that this variant is likely to be tolerated. This variant has not been reported in the literature in individuals affected with OBSL1-related conditions. This variant is present in population databases (rs13414422, ExAC 0.002%). This sequence change replaces arginine with histidine at codon 589 of the OBSL1 protein (p.Arg589His). The arginine residue is moderately conserved and there is a small physicochemical difference between arginine and histidine.